The following is an entry in ClinVar:

ClinVar aggregate classification (germline): Conflicting classifications of pathogenicity. Review status: criteria provided, conflicting classifications (1 of 4 stars). 2 submissions from 2 submitters: Likely pathogenic (1); Uncertain significance (1). Last evaluated 2025-09-27.

Conditions:
Neurodevelopmental disorder with hypotonia, stereotypic hand movements, and impaired language. Also called: Intellectual disability, autosomal dominant 20. Identifiers: Orphanet 228384, Orphanet 664410, MedGen C3150700, MONDO:0013266, OMIM 613443.

Submissions (2):

Labcorp Genetics (formerly Invitae), Labcorp
Classification: Uncertain significance for Neurodevelopmental disorder with hypotonia, stereotypic hand movements, and impaired language. Last evaluated: 2025-09-27. Review status: criteria provided, single submitter. Criteria: Invitae Variant Classification Sherloc (09022015). Collection method: clinical testing. Allele origin: germline.
Comment: This sequence change falls in intron 7 of the MEF2C gene. It does not directly change the encoded amino acid sequence of the MEF2C protein. This variant is not present in population databases (gnomAD no frequency). This variant has not been reported in the literature in individuals affected with MEF2C-related conditions. ClinVar contains an entry for this variant (Variation ID: 383731). Algorithms developed to predict the effect of sequence changes on RNA splicing suggest that this variant may create or strengthen a splice site. In summary, the available evidence is currently insufficient to determine the role of this variant in disease. Therefore, it has been classified as a Variant of Uncertain Significance.

GeneDx
Classification: Likely pathogenic. Last evaluated: 2016-03-01. Review status: criteria provided, single submitter. Criteria: GeneDx Variant Classification (06012015). Collection method: clinical testing. Allele origin: germline. Affected: yes.
Comment: The c.811-9 T>G variant in the MEF2C gene has not been reported previously as a pathogenic variant nor as a benign variant, to our knowledge. This variant reduces the quality of the splice acceptor site in intron 7, and is expected to create a cryptic splice acceptor site in intron 7, resulting in abnormal gene splicing. The c.811-9 T>G variant was not observed in approximately 6000 individuals of European and African American ancestry in the NHLBI Exome Sequencing Project, indicating it is not a common benign variant in these populations. The c.811-9 T>C variant is a strong candidate for a pathogenic variant.

NM_002397.5(MEF2C):c.811-9T>G

Gene: MEF2C (myocyte enhancer factor 2C; minus strand). Cytogenetic location: 5q14.3.
Variant type: single nucleotide variant.
Coding change: c.811-9T>G on transcript NM_002397.5 (MANE Select); 9 bases into the intron before coding-DNA position 811, T replaced by G.
Molecular consequence: intron variant.
Genome position (GRCh38, 1-based): chr5:88,730,243, A>C on the plus strand (T>G on the coding strand, the complement: MEF2C is on the minus strand). VCF-style: chr5-88730243-A-C. GRCh37 (hg19) VCF-style: chr5-88026060-A-C.
Other names: c.811-9T>G (NM_001364329.2, NM_001364330.2, NM_001193350.2 and 9 more transcripts); c.811-896T>G (NM_001364333.2, NM_001308002.3, NM_001364349.2 and 6 more transcripts); c.667-9T>G (NM_001364344.2, NM_001364354.2, NM_001364332.2 and 2 more transcripts); c.433-9T>G (NM_001364353.2, NM_001364356.2); c.805-896T>G (NM_001131005.2, NM_001364352.2, NM_001364343.2); c.865-896T>G (NM_001193347.1, NM_001364338.2); c.667-896T>G (NM_001193348.1); c.385-896T>G (NM_001364357.2).
Identifiers: ClinVar variation 383731 (VCV000383731.3), dbSNP rs1057521717, ClinGen allele CA16604988.
Genomic context (GRCh38, chr5:88,730,243, plus strand): 5'-ATTTGAGGGAAGCGCTCTCACCACTTACCAAAAGCAGGTCGACATCCTCAGACTGAGAGC[A>C]TGCGGAAGGAGTTTTATTAATTAGTGTCCGTAAATATTTATAATTGGGCAAAATCTTTTC-3'